The following is an entry in ClinVar:

ClinVar aggregate classification (germline): Uncertain significance (1 of 4 stars; one submission).

Conditions:
Oto-palato-digital syndrome, type II (OPD2). Also called: Otopalatodigital Syndrome Type 2 (FLNA-OPD2); FACIOPALATOOSSEOUS SYNDROME; OPD II SYNDROME; Otopalatodigital Syndrome, Type II. Identifiers: Orphanet 669, Orphanet 90652, MedGen C1844696, MONDO:0010571, OMIM 304120.
Heterotopia, periventricular, X-linked dominant (PVNH1). Also called: PERIVENTRICULAR NODULAR HETEROTOPIA 1; X-linked periventricular heterotopia; PERIVENTRICULAR NODULAR HETEROTOPIA 4; HETEROTOPIA, PERIVENTRICULAR, 1. Identifiers: Orphanet 2149, Orphanet 82004, MedGen C1848213, MONDO:0010233, OMIM 300049.
Melnick-Needles syndrome (MNS). Also called: Melnick-Needles Syndrome (FLNA-MNS); MELNICK-NEEDLES OSTEODYSPLASTY; OSTEODYSPLASTY OF MELNICK AND NEEDLES. Identifiers: Orphanet 2484, MedGen C0025237, MONDO:0010650, OMIM 309350.
Frontometaphyseal dysplasia (FMD1). Identifiers: Orphanet 1826, MedGen C0265293, MONDO:0015942.

Submission:

Labcorp Genetics (formerly Invitae), Labcorp
Classification: Uncertain significance for Oto-palato-digital syndrome, type II; Heterotopia, periventricular, X-linked dominant; Frontometaphyseal dysplasia; Melnick-Needles syndrome. Last evaluated: 2024-01-10. Review status: criteria provided, single submitter. Criteria: Invitae Variant Classification Sherloc (09022015). Collection method: clinical testing. Allele origin: germline.
Comment: This sequence change replaces valine, which is neutral and non-polar, with aspartic acid, which is acidic and polar, at codon 590 of the FLNA protein (p.Val590Asp). This variant is not present in population databases (gnomAD no frequency). This variant has not been reported in the literature in individuals affected with FLNA-related conditions. Advanced modeling of protein sequence and biophysical properties (such as structural, functional, and spatial information, amino acid conservation, physicochemical variation, residue mobility, and thermodynamic stability) performed at Invitae indicates that this missense variant is not expected to disrupt FLNA protein function with a negative predictive value of 95%. In summary, the available evidence is currently insufficient to determine the role of this variant in disease. Therefore, it has been classified as a Variant of Uncertain Significance.

NM_001110556.2(FLNA):c.1769T>A (p.Val590Asp)

Gene: FLNA (filamin A; minus strand). Cytogenetic location: Xq28.
Variant type: single nucleotide variant.
Coding change: c.1769T>A on transcript NM_001110556.2 (MANE Select); coding-DNA position 1769, T replaced by A.
Protein change: p.Val590Asp; replaces valine 590 with aspartic acid.
Molecular consequence: missense variant.
Genome position (GRCh38, 1-based): chrX:154,364,880, A>T on the plus strand (T>A on the coding strand, the complement: FLNA is on the minus strand). VCF-style: chrX-154364880-A-T. GRCh37 (hg19) VCF-style: chrX-153593248-A-T.
Other names: c.1769T>A, p.Val590Asp (NM_001456.4); short protein forms V590D.
Identifiers: ClinVar variation 2922095 (VCV002922095.3), dbSNP rs1351197959, ClinGen allele CA415242509.